The following is an entry in ClinVar:

ClinVar aggregate classification (germline): Uncertain significance. Review status: criteria provided, multiple submitters, no conflicts (2 of 4 stars). 3 submissions from 3 submitters: Uncertain significance (3). Last evaluated 2026-03-11.

Conditions:
Cardiovascular phenotype. Identifiers: MedGen CN230736.
Arrhythmogenic cardiomyopathy with wooly hair and keratoderma. Also called: PALMOPLANTAR KERATODERMA WITH LEFT VENTRICULAR CARDIOMYOPATHY AND WOOLLY HAIR; Arrhythmogenic cardiomyopathy with woolly hair and keratoderma; Dilated cardiomyopathy with woolly hair and keratoderma; Carvajal syndrome. Identifiers: Orphanet 65282, MedGen C1854063, MONDO:0011581, OMIM 605676.
Arrhythmogenic right ventricular dysplasia 8 (ARVD8). Also called: Arrhythmogenic Right Ventricular Dysplasia/Cardiomyopathy 8; ARRHYTHMOGENIC RIGHT VENTRICULAR CARDIOMYOPATHY 8; ARRHYTHMOGENIC RIGHT VENTRICULAR DYSPLASIA, FAMILIAL, 8. Identifiers: MedGen C1843896, MONDO:0011831, OMIM 607450.

Submissions (3):

Ambry Genetics
Classification: Uncertain significance for Cardiovascular phenotype. Last evaluated: 2026-03-11. Review status: criteria provided, single submitter. Criteria: Ambry Variant Classification Scheme 2023. Collection method: clinical testing. Allele origin: germline.
Comment: The p.Q2762* variant (also known as c.8284C>T), located in coding exon 24 of the DSP gene, results from a C to T substitution at nucleotide position 8284. This changes the amino acid from a glutamine to a stop codon within coding exon 24. This variant occurs at the 3' terminus of the gene, is not expected to trigger nonsense-mediated mRNAdecay, and impacts the last 4% of the protein. The exact functional effect of this variant is unknown. Based on the available evidence, the clinical significance of this variant remains unclear.

Women's Health and Genetics/Laboratory Corporation of America, LabCorp
Classification: Uncertain significance. Last evaluated: 2025-05-12. Review status: criteria provided, single submitter. Criteria: LabCorp Variant Classification Summary - May 2015. Collection method: clinical testing. Allele origin: germline.
Comment: Variant summary: DSP c.8284C>T (p.Gln2762X) results in a premature termination codon, predicted to cause a truncation of the encoded protein or but not exprected to trigger nonsense mediated decay. The variant was absent in 251332 control chromosomes (gnomAD). The available data on variant occurrences in the general population are insufficient to allow any conclusion about variant significance. To our knowledge, no occurrence of c.8284C>T in individuals affected with Arrhythmogenic Right Ventricular Dysplasia/Cardiomyopathy and no experimental evidence demonstrating its impact on protein function have been reported. ClinVar contains an entry for this variant (Variation ID: 935577). Based on the evidence outlined above, the variant was classified as uncertain significance.

Labcorp Genetics (formerly Invitae), Labcorp
Classification: Uncertain significance for Arrhythmogenic cardiomyopathy with wooly hair and keratoderma; Arrhythmogenic right ventricular dysplasia 8. Last evaluated: 2022-03-23. Review status: criteria provided, single submitter. Criteria: Invitae Variant Classification Sherloc (09022015). Collection method: clinical testing. Allele origin: germline.
Comment: In summary, the available evidence is currently insufficient to determine the role of this variant in disease. Therefore, it has been classified as a Variant of Uncertain Significance. Experimental studies and prediction algorithms are not available or were not evaluated, and the functional significance of this variant is currently unknown. ClinVar contains an entry for this variant (Variation ID: 935577). This variant has not been reported in the literature in individuals affected with DSP-related conditions. This variant is not present in population databases (gnomAD no frequency). This sequence change creates a premature translational stop signal (p.Gln2762*) in the DSP gene. While this is not anticipated to result in nonsense mediated decay, it is expected to disrupt the last 110 amino acid(s) of the DSP protein.

NM_004415.4(DSP):c.8284C>T (p.Gln2762Ter)

Gene: DSP (desmoplakin; plus strand). Cytogenetic location: 6p24.3.
Variant type: single nucleotide variant.
Coding change: c.8284C>T on transcript NM_004415.4 (MANE Select); coding-DNA position 8284, C replaced by T.
Protein change: p.Gln2762Ter; replaces glutamine 2762 with a stop codon.
Molecular consequence: nonsense.
Genome position (GRCh38, 1-based): chr6:7,585,546, C>T. VCF-style: chr6-7585546-C-T. GRCh37 (hg19) VCF-style: chr6-7585779-C-T.
Other names: c.6487C>T, p.Gln2163Ter (NM_001008844.3); c.6955C>T, p.Gln2319Ter (NM_001319034.2); short protein forms Q2319*, Q2163*, Q2762*.
Identifiers: ClinVar variation 935577 (VCV000935577.10), dbSNP rs376703565, ClinGen allele CA362694829.